The following is an entry in ClinVar:

NM_004153.4(ORC1):c.1499T>C (p.Val500Ala)

Gene: ORC1 (origin recognition complex subunit 1; minus strand). Cytogenetic location: 1p32.3.
Variant type: single nucleotide variant.
Coding change: c.1499T>C on transcript NM_004153.4 (MANE Select); coding-DNA position 1499, T replaced by C.
Protein change: p.Val500Ala; replaces valine 500 with alanine.
Molecular consequence: missense variant.
Genome position (GRCh38, 1-based): chr1:52,385,245, A>G on the plus strand (T>C on the coding strand, the complement: ORC1 is on the minus strand). VCF-style: chr1-52385245-A-G. GRCh37 (hg19) VCF-style: chr1-52850917-A-G.
Other names: c.1499T>C, p.Val500Ala (NM_001190818.2); c.1484T>C, p.Val495Ala (NM_001190819.2); short protein forms V495A, V500A.
Identifiers: ClinVar variation 2123946 (VCV002123946.4), dbSNP rs374470297, ClinGen allele CA22511084.

ClinVar aggregate classification (germline): Uncertain significance (1 of 4 stars; one submission).

Allele frequency attached by ClinVar (database versions not stated): TOPMed 0.00001; ESP Exome Variant Server 0.00008.

Submission:

Labcorp Genetics (formerly Invitae), Labcorp
Classification: Uncertain significance. Last evaluated: 2022-04-18. Review status: criteria provided, single submitter. Criteria: Invitae Variant Classification Sherloc (09022015). Collection method: clinical testing. Allele origin: germline.
Comment: This variant is not present in population databases (gnomAD no frequency). This variant has not been reported in the literature in individuals affected with ORC1-related conditions. Algorithms developed to predict the effect of missense changes on protein structure and function are either unavailable or do not agree on the potential impact of this missense change (SIFT: "Deleterious"; PolyPhen-2: "Benign"; Align-GVGD: "Class C15"). In summary, the available evidence is currently insufficient to determine the role of this variant in disease. Therefore, it has been classified as a Variant of Uncertain Significance. This sequence change replaces valine, which is neutral and non-polar, with alanine, which is neutral and non-polar, at codon 500 of the ORC1 protein (p.Val500Ala).